The following is an entry in ClinVar:

NM_004360.5(CDH1):c.612C>G (p.Val204=)

Gene: CDH1 (cadherin 1; plus strand). Cytogenetic location: 16q22.1.
Variant type: single nucleotide variant.
Coding change: c.612C>G on transcript NM_004360.5 (MANE Select); coding-DNA position 612, C replaced by G.
Protein change: p.Val204=; no amino-acid change (valine 204 retained).
Molecular consequence: synonymous variant. On other transcripts: 5 prime UTR variant (2).
Genome position (GRCh38, 1-based): chr16:68,808,773, C>G. VCF-style: chr16-68808773-C-G. GRCh37 (hg19) VCF-style: chr16-68842676-C-G.
Other names: c.612C>G, p.Val204= (NM_001317184.2); c.-1004C>G (NM_001317185.2); c.-1208C>G (NM_001317186.2).
Identifiers: ClinVar variation 826195 (VCV000826195.5), dbSNP rs1555515273, ClinGen allele CA496392393.

ClinVar aggregate classification (germline): Benign/Likely benign. Review status: criteria provided, multiple submitters, no conflicts (2 of 4 stars). 2 submissions from 2 submitters: Benign (1); Likely benign (1). Last evaluated 2024-09-13.

Conditions:
Hereditary cancer-predisposing syndrome. Also called: Neoplastic Syndromes, Hereditary; Hereditary Cancer Syndrome; Hereditary neoplastic syndrome; Tumor predisposition. Identifiers: Orphanet 140162, MedGen C0027672, MeSH D009386, MONDO:0015356.
Hereditary diffuse gastric adenocarcinoma (HDGC). Also called: DIFFUSE GASTRIC AND LOBULAR BREAST CANCER SYNDROME. Identifiers: Orphanet 26106, MedGen C1708349, MONDO:0007648, OMIM 137215.

Allele frequency attached by ClinVar (database versions not stated): gnomAD exomes below 0.00001.
gnomAD v4.1: 1 of 1,614,108 alleles (0.000062%); highest among the groups gnomAD compares: Middle Eastern, 0.016%; no homozygotes.

Submissions (2):

Myriad Genetics, Inc.
Classification: Benign for Hereditary diffuse gastric adenocarcinoma. Last evaluated: 2024-09-13. Review status: criteria provided, single submitter. Criteria: Myriad Autosomal Dominant, Autosomal Recessive and X-Linked Classification Criteria (2023). Collection method: clinical testing. Allele origin: unknown.
Comment: This variant is considered benign. This variant is a silent/synonymous amino acid change and it is not expected to impact splicing.

Ambry Genetics
Classification: Likely benign for Hereditary cancer-predisposing syndrome. Last evaluated: 2019-08-12. Review status: criteria provided, single submitter. Criteria: Ambry Variant Classification Scheme 2023. Collection method: clinical testing. Allele origin: germline.